The following is an entry in ClinVar:

NM_000548.5(TSC2):c.1258-19C>T

Gene: TSC2 (TSC complex subunit 2; plus strand). Cytogenetic location: 16p13.3.
Variant type: single nucleotide variant.
Coding change: c.1258-19C>T on transcript NM_000548.5 (MANE Select); 19 bases into the intron before coding-DNA position 1258, C replaced by T.
Molecular consequence: intron variant.
Genome position (GRCh38, 1-based): chr16:2,062,478, C>T. VCF-style: chr16-2062478-C-T. GRCh37 (hg19) VCF-style: chr16-2112479-C-T.
Other names: c.1258-19C>T (NM_001114382.3, NM_021055.3, NM_001370405.1 and 3 more transcripts); c.1147-19C>T (NM_001318827.2); c.658-19C>T (NM_001318831.2); c.1111-19C>T (NM_001318829.2); c.1291-19C>T (NM_001318832.2).
Identifiers: ClinVar variation 1573497 (VCV001573497.9), dbSNP rs1235654050, ClinGen allele CA620373508.

ClinVar aggregate classification (germline): Likely benign. Review status: criteria provided, multiple submitters, no conflicts (2 of 4 stars). 2 submissions from 2 submitters: Likely benign (2). Last evaluated 2026-01-06.

Conditions:
Tuberous sclerosis 2 (TSC2). Identifiers: Orphanet 805, MedGen C1860707, MONDO:0013199, OMIM 613254.

Allele frequency attached by ClinVar (database versions not stated): gnomAD 0.00001; TOPMed 0.00001.
gnomAD v4.1: 4 of 1,597,692 alleles (0.00025%); highest among the groups gnomAD compares: African/African-American, 0.0013%; no homozygotes.

Submissions (2):

Labcorp Genetics (formerly Invitae), Labcorp
Classification: Likely benign for Tuberous sclerosis 2. Last evaluated: 2026-01-06. Review status: criteria provided, single submitter. Criteria: Invitae Variant Classification Sherloc (09022015). Collection method: clinical testing. Allele origin: germline.

Myriad Genetics, Inc.
Classification: Likely benign for Tuberous sclerosis 2. Last evaluated: 2025-05-13. Review status: criteria provided, single submitter. Criteria: Myriad Autosomal Dominant, Autosomal Recessive and X-Linked Classification Criteria (2023). Collection method: clinical testing. Allele origin: unknown.
Comment: This variant is considered likely benign. This variant is intronic and is not expected to impact mRNA splicing.